The following is an entry in ClinVar:

ClinVar aggregate classification (germline): Conflicting classifications of pathogenicity. Review status: criteria provided, conflicting classifications (1 of 4 stars). 3 submissions from 3 submitters: Uncertain significance (2); Benign (1). Last evaluated 2025-07-30.

Conditions:
Gastrointestinal stromal tumor. Also called: Gastrointestinal stromal tumor, somatic; Gastrointestinal stroma tumor. Identifiers: Orphanet 44890, MedGen C0238198, MeSH D046152, MONDO:0011719, OMIM 606764, HP:0100723.
Hereditary cancer-predisposing syndrome. Also called: Hereditary neoplastic syndrome; Neoplastic Syndromes, Hereditary; Hereditary Cancer Syndrome; Tumor predisposition. Identifiers: Orphanet 140162, MedGen C0027672, MeSH D009386, MONDO:0015356.

Allele frequency attached by ClinVar (database versions not stated): gnomAD below 0.00001; gnomAD exomes 0.00001; 1000 Genomes Project 30x 0.00031.
gnomAD v4.1: 17 of 1,613,910 alleles (0.0011%); highest among the groups gnomAD compares: South Asian, 0.014%; no homozygotes.

Submissions (3):

Labcorp Genetics (formerly Invitae), Labcorp
Classification: Uncertain significance for Gastrointestinal stromal tumor. Last evaluated: 2025-07-30. Review status: criteria provided, single submitter. Criteria: Invitae Variant Classification Sherloc (09022015). Collection method: clinical testing. Allele origin: germline.
Comment: This sequence change replaces aspartic acid, which is acidic and polar, with glutamic acid, which is acidic and polar, at codon 135 of the PDGFRA protein (p.Asp135Glu). This variant is present in population databases (rs766197882, gnomAD 0.02%). This variant has not been reported in the literature in individuals affected with PDGFRA-related conditions. ClinVar contains an entry for this variant (Variation ID: 568244). An algorithm developed to predict the effect of missense changes on protein structure and function (PolyPhen-2) suggests that this variant is likely to be tolerated. In summary, the available evidence is currently insufficient to determine the role of this variant in disease. Therefore, it has been classified as a Variant of Uncertain Significance.

Ambry Genetics
Classification: Benign for Hereditary cancer-predisposing syndrome. Last evaluated: 2024-10-28. Review status: criteria provided, single submitter. Criteria: Ambry Variant Classification Scheme 2023. Collection method: clinical testing. Allele origin: germline.

GeneDx
Classification: Uncertain significance. Last evaluated: 2023-07-26. Review status: criteria provided, single submitter. Criteria: GeneDx Variant Classification Process June 2021. Collection method: clinical testing. Allele origin: germline. Affected: yes.
Comment: In silico analysis supports that this missense variant does not alter protein structure/function; Has not been previously published as pathogenic or benign to our knowledge

NM_006206.6(PDGFRA):c.405T>A (p.Asp135Glu)

Gene: PDGFRA (platelet derived growth factor receptor alpha; plus strand). Cytogenetic location: 4q12.
Variant type: single nucleotide variant.
Coding change: c.405T>A on transcript NM_006206.6 (MANE Select); coding-DNA position 405, T replaced by A.
Protein change: p.Asp135Glu; replaces aspartic acid 135 with glutamic acid.
Molecular consequence: missense variant.
Genome position (GRCh38, 1-based): chr4:54,263,704, T>A. VCF-style: chr4-54263704-T-A. GRCh37 (hg19) VCF-style: chr4-55129871-T-A.
Other names: c.405T>A, p.Asp135Glu (NM_001347827.2, NM_001347829.2); c.480T>A, p.Asp160Glu (NM_001347828.2); c.444T>A, p.Asp148Glu (NM_001347830.2); short protein forms D135E, D148E, D160E.
Identifiers: ClinVar variation 568244 (VCV000568244.14), dbSNP rs766197882, ClinGen allele CA2922283.